The following is an entry in ClinVar:

ClinVar aggregate classification (germline): Uncertain significance (1 of 4 stars; one submission).

Conditions:
Cardiovascular phenotype. Identifiers: MedGen CN230736.

gnomAD v4.1: 7 of 1,613,722 alleles (0.00043%); highest among the groups gnomAD compares: South Asian, 0.0077%; no homozygotes.

Submission:

Ambry Genetics
Classification: Uncertain significance for Cardiovascular phenotype. Last evaluated: 2026-03-05. Review status: criteria provided, single submitter. Criteria: Ambry Variant Classification Scheme 2023. Collection method: clinical testing. Allele origin: germline.
Comment: The p.L2039M variant (also known as c.6115C>A), located in coding exon 40 of the RYR2 gene, results from a C to A substitution at nucleotide position 6115. The leucine at codon 2039 is replaced by methionine, an amino acid with highly similar properties. This amino acid position is highly conserved in available vertebrate species. In addition, this alteration is predicted to be tolerated by in silico analysis. Based on the available evidence, the clinical significance of this variant remains unclear.

NM_001035.3(RYR2):c.6115C>A (p.Leu2039Met)

Gene: RYR2 (ryanodine receptor 2; plus strand). Cytogenetic location: 1q43.
Variant type: single nucleotide variant.
Coding change: c.6115C>A on transcript NM_001035.3 (MANE Select); coding-DNA position 6115, C replaced by A.
Protein change: p.Leu2039Met; replaces leucine 2039 with methionine.
Molecular consequence: missense variant.
Genome position (GRCh38, 1-based): chr1:237,625,753, C>A. VCF-style: chr1-237625753-C-A. GRCh37 (hg19) VCF-style: chr1-237789053-C-A.
Other names: short protein forms L2039M.
Identifiers: ClinVar variation 4827609 (VCV004827609.1).